The following is an entry in ClinVar:

NM_000158.4(GBE1):c.1109-1G>T

Gene: GBE1 (1,4-alpha-glucan branching enzyme 1; minus strand). Cytogenetic location: 3p12.2.
Variant type: single nucleotide variant.
Coding change: c.1109-1G>T on transcript NM_000158.4 (MANE Select); the canonical splice acceptor site of the intron before coding-DNA position 1109, G replaced by T.
Molecular consequence: splice acceptor variant.
Genome position (GRCh38, 1-based): chr3:81,591,165, C>A on the plus strand (G>T on the coding strand, the complement: GBE1 is on the minus strand). VCF-style: chr3-81591165-C-A. GRCh37 (hg19) VCF-style: chr3-81640316-C-A.
Other names: c.1109-1G>T (NM_000158.3).
Identifiers: ClinVar variation 3241695 (VCV003241695.2), dbSNP rs763258786.
Genomic context (GRCh38, chr3:81,591,165, plus strand): 5'-AGGCATCTTCATCTACTTGTAGTCCGAAATATTCACTGTAATCACCTGAGAAACCTTGAC[C>A]TTAGAAAAAGAAAATCAATACGGATATATTATGTTAACAAGCAAGTCTTAACTCTGCACA-3'

ClinVar aggregate classification (germline): Likely pathogenic. Review status: criteria provided, multiple submitters, no conflicts (2 of 4 stars). 2 submissions from 2 submitters: Likely pathogenic (2). Last evaluated 2026-01-26.

Conditions:
Glycogen storage disease, type IV (GSD4). Also called: AMYLOPECTINOSIS; ANDERSEN DISEASE; BRANCHER DEFICIENCY; CIRRHOSIS, FAMILIAL, WITH DEPOSITION OF ABNORMAL GLYCOGEN; GBE1 DEFICIENCY; GLYCOGEN BRANCHING ENZYME DEFICIENCY. Identifiers: Orphanet 367, MedGen C0017923, MONDO:0009292, OMIM 232500.

Allele frequency attached by ClinVar (database versions not stated): gnomAD exomes below 0.00001; ExAC 0.00001.
gnomAD v4.1: 2 of 1,592,920 alleles (0.00013%); highest among the groups gnomAD compares: Non-Finnish European, 0.00017%; no homozygotes.

Submissions (2):

Natera, Inc.
Classification: Likely pathogenic for Glycogen storage disease type IV. Last evaluated: 2026-01-26. Review status: criteria provided, single submitter. Criteria: Natera Variant Classification Schema (03/2026). Collection method: clinical testing. Allele origin: germline.
Comment: The c.1109-1G>T variant in GBE1 is a canonical splice acceptor site variant predicted to affect pre-mRNA splicing, which may result in an abnormal transcript and altered protein product. This variant is expected to result in nonsense mediated decay, truncation, or a dysfunctional protein product. This variant is rare in the general population with a frequency below the threshold expected for the associated phenotype(s). Given the available evidence, this variant is classified as Likely Pathogenic.

Baylor Genetics
Classification: Likely pathogenic for Glycogen storage disease, type IV. Last evaluated: 2023-11-08. Review status: criteria provided, single submitter. Criteria: ACMG Guidelines, 2015. Collection method: clinical testing. Allele origin: unknown.